The following is an entry in ClinVar:

NM_144573.4(NEXN):c.1672G>A (p.Glu558Lys)

Gene: NEXN (nexilin F-actin binding protein; plus strand). Cytogenetic location: 1p31.1.
Variant type: single nucleotide variant.
Coding change: c.1672G>A on transcript NM_144573.4 (MANE Select); coding-DNA position 1672, G replaced by A.
Protein change: p.Glu558Lys; replaces glutamic acid 558 with lysine.
Molecular consequence: missense variant.
Genome position (GRCh38, 1-based): chr1:77,942,473, G>A. VCF-style: chr1-77942473-G-A. GRCh37 (hg19) VCF-style: chr1-78408158-G-A.
Other names: c.1480G>A, p.Glu494Lys (NM_001172309.2); short protein forms E558K, E494K.
Identifiers: ClinVar variation 519070 (VCV000519070.6), dbSNP rs927477236, ClinGen allele CA340881796.

ClinVar aggregate classification (germline): Uncertain significance (1 of 4 stars; one submission).

Conditions:
Cardiovascular phenotype. Identifiers: MedGen CN230736.

gnomAD v4.1: 1 of 1,613,192 alleles (0.000062%); no homozygotes.

Submission:

Ambry Genetics
Classification: Uncertain significance for Cardiovascular phenotype. Last evaluated: 2024-10-19. Review status: criteria provided, single submitter. Criteria: Ambry Variant Classification Scheme 2023. Collection method: clinical testing. Allele origin: germline.
Comment: The p.E558K variant (also known as c.1672G>A), located in coding exon 12 of the NEXN gene, results from a G to A substitution at nucleotide position 1672. The glutamic acid at codon 558 is replaced by lysine, an amino acid with similar properties. This amino acid position is not well conserved in available vertebrate species. In addition, this alteration is predicted to be tolerated by in silico analysis. Since supporting evidence is limited at this time, the clinical significance of this alteration remains unclear.